The following is an entry in ClinVar:

ClinVar aggregate classification (germline): Uncertain significance (1 of 4 stars; one submission).

Conditions:
Deficiency of hyaluronoglucosaminidase (MPS9). Also called: HYALURONIDASE DEFICIENCY; MPS IX; Mucopolysaccharidosis type 9. Identifiers: Orphanet 67041, MedGen C1291490, MONDO:0011093, OMIM 601492.

Allele frequency attached by ClinVar (database versions not stated): gnomAD 0.00002; gnomAD exomes 0.00002; ExAC 0.00003; TOPMed 0.00004.
gnomAD v4.1: 42 of 1,614,134 alleles (0.0026%); highest among the groups gnomAD compares: Non-Finnish European, 0.00017%; no homozygotes.

Submission:

Labcorp Genetics (formerly Invitae), Labcorp
Classification: Uncertain significance for Deficiency of hyaluronoglucosaminidase. Last evaluated: 2022-10-24. Review status: criteria provided, single submitter. Criteria: Invitae Variant Classification Sherloc (09022015). Collection method: clinical testing. Allele origin: germline.
Comment: This sequence change replaces glycine, which is neutral and non-polar, with serine, which is neutral and polar, at codon 423 of the HYAL1 protein (p.Gly423Ser). This variant is present in population databases (rs782661320, gnomAD 0.1%). This variant has not been reported in the literature in individuals affected with HYAL1-related conditions. Algorithms developed to predict the effect of missense changes on protein structure and function are either unavailable or do not agree on the potential impact of this missense change (SIFT: "Tolerated"; PolyPhen-2: "Probably Damaging"; Align-GVGD: "Class C0"). In summary, the available evidence is currently insufficient to determine the role of this variant in disease. Therefore, it has been classified as a Variant of Uncertain Significance.

NM_033159.4(HYAL1):c.1267G>A (p.Gly423Ser)

Gene: HYAL1 (hyaluronidase 1; minus strand). Cytogenetic location: 3p21.31.
Variant type: single nucleotide variant.
Coding change: c.1267G>A on transcript NM_033159.4 (MANE Select); coding-DNA position 1267, G replaced by A.
Protein change: p.Gly423Ser; replaces glycine 423 with serine.
Molecular consequence: missense variant. On other transcripts: non-coding transcript variant (1).
Genome position (GRCh38, 1-based): chr3:50,300,524, C>T on the plus strand (G>A on the coding strand, the complement: HYAL1 is on the minus strand). VCF-style: chr3-50300524-C-T. GRCh37 (hg19) VCF-style: chr3-50337955-C-T.
Other names: c.1267G>A, p.Gly423Ser (NM_007312.3, NM_153281.2); c.1177G>A, p.Gly393Ser (NM_153282.3); c.721G>A, p.Gly241Ser (NM_153283.3); c.490G>A, p.Gly164Ser (NM_153285.3); short protein forms G241S, G423S, G164S, G393S.
Identifiers: ClinVar variation 2156301 (VCV002156301.1), dbSNP rs782661320, ClinGen allele CA2415696.
Genomic context (GRCh38, chr3:50,300,524, plus strand): 5'-CAACTCAGTGTGTGGCCAATCACCACATGCTCTTCCGCTCACACCACGGTGCCTGCCAGC[C>T]AGGGTAGCATCGACATTTGAACTCCACAGCCATCTGTGCCTGATCTTCAAGTGAGAGGGC-3'
Protein context (NP_149349.2, residues 413-433): AVEFKCRCYP[Gly423Ser]WQAPWCERKS